The following is an entry in ClinVar:

NM_000053.4(ATP7B):c.3707del (p.Ile1236fs)

Gene: ATP7B (ATPase copper transporting beta; minus strand). Cytogenetic location: 13q14.3.
Variant type: Deletion.
Coding change: c.3707del on transcript NM_000053.4 (MANE Select); coding-DNA position 3707, one base deleted (T; older notation c.3707delT).
Protein change: p.Ile1236fs; shifts the reading frame from isoleucine 1236.
Molecular consequence: frameshift variant.
Genome position (GRCh38, 1-based): chr13:51,937,672, A deleted on the plus strand (T on the coding strand, the reverse complement: ATP7B is on the minus strand). VCF-style (leftmost placement, unchanged base first): chr13-51937671-GA-G. GRCh37 (hg19) VCF-style: chr13-52511807-GA-G.
Other names: c.3086del, p.Ile1029fs (NM_001005918.3); c.3374del, p.Ile1125fs (NM_001243182.2); c.3473del, p.Ile1158fs (NM_001330578.2); c.3455del, p.Ile1152fs (NM_001330579.2); c.3707delT, p.Ile1236Thrfs (NM_001406511.1, NM_001406512.1); c.3701delT, p.Ile1234Thrfs (NM_001406513.1); c.3674delT, p.Ile1225Thrfs (NM_001406514.1); c.3653delT, p.Ile1218Thrfs (NM_001406515.1, NM_001406516.1); and 22 more; short protein forms I1029fs, I1125fs, I1152fs, I1158fs, I1236fs.
Identifiers: ClinVar variation 1724630 (VCV001724630.3), dbSNP rs2547569906, ClinGen allele CA2580087717.

ClinVar aggregate classification (germline): Likely pathogenic. Review status: criteria provided, multiple submitters, no conflicts (2 of 4 stars). 2 submissions from 2 submitters: Likely pathogenic (2). Last evaluated 2023-06-12.

Conditions:
Wilson disease (WND). Also called: Wilson's disease. Identifiers: Orphanet 905, MedGen C0019202, MONDO:0010200, OMIM 277900. Disease mechanism: loss of function.

Submissions (2):

Baylor Genetics
Classification: Likely pathogenic for Wilson disease. Last evaluated: 2023-06-12. Review status: criteria provided, single submitter. Criteria: ACMG Guidelines, 2015. Collection method: clinical testing. Allele origin: unknown.

Myriad Genetics, Inc.
Classification: Likely pathogenic for Wilson disease. Last evaluated: 2022-02-23. Review status: criteria provided, single submitter. Criteria: Myriad Women's Health Autosomal Recessive and X-Linked Classification Criteria (2021). Collection method: clinical testing. Allele origin: unknown.
Comment: NM_000053.3(ATP7B):c.3707delT(I1236Tfs*94) is expected to be pathogenic in the context of Wilson disease. This variant is predicted to lead to an abnormal or absent protein product due to the creation of a premature termination codon in ATP7B, a gene where loss-of-function variants are known to be pathogenic. Please note: this variant was assessed in the context of healthy population screening.